The following is an entry in ClinVar:

NM_007294.4(BRCA1):c.1580A>G (p.Lys527Arg)

Gene: BRCA1 (BRCA1 DNA repair associated; minus strand). Cytogenetic location: 17q21.31.
Variant type: single nucleotide variant.
Coding change: c.1580A>G on transcript NM_007294.4 (MANE Select); coding-DNA position 1580, A replaced by G.
Protein change: p.Lys527Arg; replaces lysine 527 with arginine.
Molecular consequence: missense variant. On other transcripts: intron variant (137).
Genome position (GRCh38, 1-based): chr17:43,093,951, T>C on the plus strand (A>G on the coding strand, the complement: BRCA1 is on the minus strand). VCF-style: chr17-43093951-T-C. GRCh37 (hg19) VCF-style: chr17-41245968-T-C.
Other names: c.1436A>G, p.Lys479Arg (NM_001407841.1, NM_001407843.1, NM_001407844.1 and 20 more transcripts); c.520+793A>G (NM_001408504.1, NM_001408503.1, NM_001408505.1); c.1457A>G, p.Lys486Arg (NM_001407665.1, NM_001407675.1, NM_001407667.1 and 19 more transcripts); c.1454A>G, p.Lys485Arg (NM_001407670.1, NM_001407671.1, NM_001407672.1 and 11 more transcripts); c.643+793A>G (NM_001408463.1, NM_001408470.1, NM_001408464.1 and 3 more transcripts); c.523+793A>G (NM_001408499.1, NM_001408498.1, NM_001408501.1 and 3 more transcripts); c.661+793A>G (NM_001408450.1, NM_001408434.1, NM_001408446.1 and 6 more transcripts); c.784+793A>G (NM_001408398.1, NM_001407992.1, NM_001408397.1 and 13 more transcripts); and 40 more; short protein forms K527R, K480R, K359R, K415R, K416R, K486R, K524R, K439R.
Identifiers: ClinVar variation 418567 (VCV000418567.15), dbSNP rs774959350, ClinGen allele CA057390.

ClinVar aggregate classification (germline): Conflicting classifications of pathogenicity. Review status: criteria provided, conflicting classifications (1 of 4 stars). 5 submissions from 5 submitters: Uncertain significance (4); Likely benign (1). Last evaluated 2025-12-24.

Conditions:
Hereditary cancer-predisposing syndrome. Also called: Hereditary neoplastic syndrome; Tumor predisposition; Neoplastic Syndromes, Hereditary; Hereditary Cancer Syndrome. Identifiers: Orphanet 140162, MedGen C0027672, MeSH D009386, MONDO:0015356.
Hereditary breast ovarian cancer syndrome. Also called: Hereditary breast and ovarian cancer; Hereditary breast and/or ovarian cancer syndrome; Hereditary breast and ovarian cancer syndrome; Hereditary breast and ovarian cancer syndrome (HBOC); Breast and ovarian cancer; BRCA1- and BRCA2-Associated Hereditary Breast and Ovarian Cancer. Identifiers: Orphanet 145, MedGen C0677776, MeSH D061325, MONDO:0003582. Disease mechanism: loss of function.
BRCA1-related cancer predisposition. Identifiers: MedGen CN377757, MONDO:0700268.

Allele frequency attached by ClinVar (database versions not stated): gnomAD exomes below 0.00001; ExAC 0.00001.
gnomAD v4.1: 1 of 1,613,864 alleles (0.000062%); highest among the groups gnomAD compares: Non-Finnish European, 0.000085%; no homozygotes.

Submissions (5):

Labcorp Genetics (formerly Invitae), Labcorp
Classification: Uncertain significance for Hereditary breast ovarian cancer syndrome. Last evaluated: 2025-12-24. Review status: criteria provided, single submitter. Criteria: Invitae Variant Classification Sherloc (09022015). Collection method: clinical testing. Allele origin: germline.
Comment: This sequence change replaces lysine, which is basic and polar, with arginine, which is basic and polar, at codon 527 of the BRCA1 protein (p.Lys527Arg). The frequency data for this variant in the population databases is considered unreliable, as metrics indicate poor data quality at this position in the gnomAD database. This missense change has been observed in individual(s) with ovarian cancer (PMID: 32776218, 34981296). ClinVar contains an entry for this variant (Variation ID: 418567). Invitae Evidence Modeling of protein sequence and biophysical properties (such as structural, functional, and spatial information, amino acid conservation, physicochemical variation, residue mobility, and thermodynamic stability) indicates that this missense variant is not expected to disrupt BRCA1 protein function with a negative predictive value of 80%. In summary, the available evidence is currently insufficient to determine the role of this variant in disease. Therefore, it has been classified as a Variant of Uncertain Significance.

All of Us Research Program, National Institutes of Health
Classification: Uncertain significance for BRCA1-related cancer predisposition. Last evaluated: 2024-08-06. Review status: criteria provided, single submitter. Criteria: ACMG Guidelines, 2015. Collection method: clinical testing. Allele origin: germline. Inheritance: Autosomal dominant inheritance. Observed: 1 variant allele, 1 heterozygote.
Comment: This study involves interpretation of variants in research participants for the purpose of population health screening. Participant phenotype was not available at the time of variant classification. Additional details can be found in publication PMID: 35346344, PMCID: PMC8962531

University of Washington Department of Laboratory Medicine, University of Washington
Classification: Likely benign for Hereditary cancer-predisposing syndrome. Last evaluated: 2023-03-23. Review status: criteria provided, single submitter. Criteria: Dines et al. (Genet Med. 2020). Collection method: curation. Allele origin: germline.
Comment: Missense variant in a coldspot region where missense variants are very unlikely to be pathogenic (PMID:31911673).

BRCA1 coldspot (exon 11 using historical exon numbering). Reclassification based on statistical prior probability

Ambry Genetics
Classification: Uncertain significance for Hereditary cancer-predisposing syndrome. Last evaluated: 2021-01-06. Review status: criteria provided, single submitter. Criteria: Ambry Variant Classification Scheme 2023. Collection method: clinical testing. Allele origin: germline.
Comment: The p.K527R variant (also known as c.1580A>G), located in coding exon 9 of the BRCA1 gene, results from an A to G substitution at nucleotide position 1580. The lysine at codon 527 is replaced by arginine, an amino acid with highly similar properties. This amino acid position is well conserved in available vertebrate species. In addition, this alteration is predicted to be deleterious by in silico analysis. Since supporting evidence is limited at this time, the clinical significance of this alteration remains unclear.

GeneDx
Classification: Uncertain significance. Last evaluated: 2015-07-09. Review status: criteria provided, single submitter. Criteria: GeneDx Variant Classification (06012015). Collection method: clinical testing. Allele origin: germline. Affected: yes.
Comment: This variant is denoted BRCA1 c.1580A>G at the cDNA level, p.Lys527Arg (K527R) at the protein level, and results in the change of a Lysine to an Arginine (AAG>AGG). Using alternate nomenclature, this variant would be defined as BRCA1 1699A>G. This variant has not, to our knowledge, been published in the literature as pathogenic or benign. BRCA1 Lys527Arg was not observed in approximately 6,500 individuals of European and African American ancestry in the NHLBI Exome Sequencing Project, indicating it is not a common benign variant in these populations. Since Lysine and Arginine share similar properties, this is considered a conservative amino acid substitution. BRCA1 Lys527Arg occurs at a position that is not conserved and is located in the DNA binding domain (Narod 2004). In silico analyses predict that this variant is unlikely to alter protein structure or function. Based on currently available information, it is unclear whether BRCA1 Lys527Arg is pathogenic or benign. We consider it to be a variant of uncertain significance.

Literature cited by the submitters: PubMed 32776218 (cited by Labcorp Genetics (formerly Invitae), Labcorp); PubMed 34981296 (cited by Labcorp Genetics (formerly Invitae), Labcorp).